The following is an entry in ClinVar:

NM_000548.5(TSC2):c.5057A>G (p.Gln1686Arg)

Gene: TSC2 (TSC complex subunit 2; plus strand). Cytogenetic location: 16p13.3.
Variant type: single nucleotide variant.
Coding change: c.5057A>G on transcript NM_000548.5 (MANE Select); coding-DNA position 5057, A replaced by G.
Protein change: p.Gln1686Arg; replaces glutamine 1686 with arginine.
Molecular consequence: missense variant.
Genome position (GRCh38, 1-based): chr16:2,087,930, A>G. VCF-style: chr16-2087930-A-G. GRCh37 (hg19) VCF-style: chr16-2137931-A-G.
Other names: c.5057A>G (NM_000548.3); c.4856A>G, p.Gln1619Arg (NM_001077183.3); c.4988A>G, p.Gln1663Arg (NM_001114382.3); c.4748A>G, p.Gln1583Arg (NM_001318827.2); c.4712A>G, p.Gln1571Arg (NM_001318829.2); c.4325A>G, p.Gln1442Arg (NM_001318831.2); c.4889A>G, p.Gln1630Arg (NM_001318832.2); c.4859A>G, p.Gln1620Arg (NM_001363528.2); and 2 more; short protein forms Q1571R, Q1643R, Q1642R, Q1619R, Q1620R, Q1663R, Q1442R, Q1583R.
Identifiers: ClinVar variation 1377096 (VCV001377096.10), dbSNP rs397514983, ClinGen allele CA394311641.
Genomic context (GRCh38, chr16:2,087,930, plus strand): 5'-TCAACTTTGTCCACGTGATCGTCACCCCGCTGGACTACGAGTGCAACCTGGTGTCCCTGC[A>G]GTGCAGGAAAGGTAGGGCCGGGTGGGGCCCTGCAGTGCAGGAAAGGTAGGGCCGGGTGGG-3'
Protein context (NP_000539.2, residues 1676-1696): LDYECNLVSL[Gln1686Arg]CRKDMEGLVD

ClinVar aggregate classification (germline): Uncertain significance. Review status: criteria provided, multiple submitters, no conflicts (2 of 4 stars). 3 submissions from 3 submitters: Uncertain significance (3). Last evaluated 2024-05-14.

Conditions:
Hereditary cancer-predisposing syndrome. Also called: Tumor predisposition; Hereditary neoplastic syndrome; Neoplastic Syndromes, Hereditary; Hereditary Cancer Syndrome. Identifiers: Orphanet 140162, MedGen C0027672, MeSH D009386, MONDO:0015356.
Tuberous sclerosis syndrome (TSC). Also called: Tuberous sclerosis; Tuberous Sclerosis Complex. Identifiers: Orphanet 805, MedGen C0041341, MONDO:0001734.
Tuberous sclerosis 2 (TSC2). Identifiers: Orphanet 805, MedGen C1860707, MONDO:0013199, OMIM 613254.

Submissions (3):

All of Us Research Program, National Institutes of Health
Classification: Uncertain significance for Tuberous sclerosis syndrome. Last evaluated: 2024-05-14. Review status: criteria provided, single submitter. Criteria: ACMG Guidelines, 2015. Collection method: clinical testing. Allele origin: germline. Inheritance: Autosomal dominant inheritance. Observed: 1 variant allele, 1 heterozygote.
Comment: This missense variant replaces glutamine with arginine at codon 1686 of the TSC2 protein. Computational prediction suggests that this variant may have deleterious impact on protein structure and function. To our knowledge, functional studies have not been reported for this variant. This variant has not been reported in individuals affected with TSC2-related disorders in the literature. This variant has not been identified in the general population by the Genome Aggregation Database (gnomAD). The available evidence is insufficient to determine the role of this variant in disease conclusively. Therefore, this variant is classified as a Variant of Uncertain Significance.

This study involves interpretation of variants in research participants for the purpose of population health screening. Participant phenotype was not available at the time of variant classification. Additional details can be found in publication PMID: 35346344, PMCID: PMC8962531

Labcorp Genetics (formerly Invitae), Labcorp
Classification: Uncertain significance for Tuberous sclerosis 2. Last evaluated: 2024-04-16. Review status: criteria provided, single submitter. Criteria: Invitae Variant Classification Sherloc (09022015). Collection method: clinical testing. Allele origin: germline.
Comment: This sequence change replaces glutamine, which is neutral and polar, with arginine, which is basic and polar, at codon 1686 of the TSC2 protein (p.Gln1686Arg). This variant is not present in population databases (gnomAD no frequency). This variant has not been reported in the literature in individuals affected with TSC2-related conditions. ClinVar contains an entry for this variant (Variation ID: 1377096). Advanced modeling of protein sequence and biophysical properties (such as structural, functional, and spatial information, amino acid conservation, physicochemical variation, residue mobility, and thermodynamic stability) performed at Invitae indicates that this missense variant is not expected to disrupt TSC2 protein function with a negative predictive value of 95%. In summary, the available evidence is currently insufficient to determine the role of this variant in disease. Therefore, it has been classified as a Variant of Uncertain Significance.

Ambry Genetics
Classification: Uncertain significance for Hereditary cancer-predisposing syndrome. Last evaluated: 2023-06-18. Review status: criteria provided, single submitter. Criteria: Ambry Variant Classification Scheme 2023. Collection method: clinical testing. Allele origin: germline.
Comment: The p.Q1686R variant (also known as c.5057A>G), located in coding exon 38 of the TSC2 gene, results from an A to G substitution at nucleotide position 5057. The glutamine at codon 1686 is replaced by arginine, an amino acid with highly similar properties. This amino acid position is conserved. In addition, this alteration is predicted to be deleterious by in silico analysis. Since supporting evidence is limited at this time, the clinical significance of this alteration remains unclear.